The following is an entry in ClinVar:

ClinVar aggregate classification (germline): Uncertain significance (1 of 4 stars; one submission).

Submission:

Labcorp Genetics (formerly Invitae), Labcorp
Classification: Uncertain significance. Last evaluated: 2022-07-08. Review status: criteria provided, single submitter. Criteria: Invitae Variant Classification Sherloc (09022015). Collection method: clinical testing. Allele origin: germline.
Comment: This sequence change replaces leucine, which is neutral and non-polar, with arginine, which is basic and polar, at codon 396 of the CWC27 protein (p.Leu396Arg). This variant is not present in population databases (gnomAD no frequency). This variant has not been reported in the literature in individuals affected with CWC27-related conditions. ClinVar contains an entry for this variant (Variation ID: 1468307). Algorithms developed to predict the effect of missense changes on protein structure and function are either unavailable or do not agree on the potential impact of this missense change (SIFT: "Deleterious"; PolyPhen-2: "Probably Damaging"; Align-GVGD: "Class C0"). In summary, the available evidence is currently insufficient to determine the role of this variant in disease. Therefore, it has been classified as a Variant of Uncertain Significance.

NM_005869.4(CWC27):c.1187T>G (p.Leu396Arg)

Gene: CWC27 (CWC27 spliceosome associated cyclophilin; plus strand). Cytogenetic location: 5q12.3.
Variant type: single nucleotide variant.
Coding change: c.1187T>G on transcript NM_005869.4 (MANE Select); coding-DNA position 1187, T replaced by G.
Protein change: p.Leu396Arg; replaces leucine 396 with arginine.
Molecular consequence: missense variant. On other transcripts: intron variant (1).
Genome position (GRCh38, 1-based): chr5:64,977,169, T>G. VCF-style: chr5-64977169-T-G. GRCh37 (hg19) VCF-style: chr5-64272996-T-G.
Other names: c.1152+5357T>G (NM_001297644.1); short protein forms L396R.
Identifiers: ClinVar variation 1468307 (VCV001468307.6), dbSNP rs2112446938, ClinGen allele CA359963759.